The following is an entry in ClinVar:

ClinVar aggregate classification (germline): Uncertain significance (1 of 4 stars; one submission).

Submission:

Labcorp Genetics (formerly Invitae), Labcorp
Classification: Uncertain significance. Last evaluated: 2021-03-21. Review status: criteria provided, single submitter. Criteria: Invitae Variant Classification Sherloc (09022015). Collection method: clinical testing. Allele origin: germline.
Comment: This sequence change replaces glutamine with lysine at codon 743 of the PDE6B protein (p.Gln743Lys). The glutamine residue is highly conserved and there is a small physicochemical difference between glutamine and lysine. This variant is not present in population databases (ExAC no frequency). This variant has not been reported in the literature in individuals with PDE6B-related conditions. Algorithms developed to predict the effect of missense changes on protein structure and function are either unavailable or do not agree on the potential impact of this missense change (SIFT: "Tolerated"; PolyPhen-2: "Possibly Damaging"; Align-GVGD: "Class C0"). In summary, the available evidence is currently insufficient to determine the role of this variant in disease. Therefore, it has been classified as a Variant of Uncertain Significance.

NM_000283.4(PDE6B):c.2227C>A (p.Gln743Lys)

Gene: PDE6B (phosphodiesterase 6B; plus strand). Cytogenetic location: 4p16.3.
Variant type: single nucleotide variant.
Coding change: c.2227C>A on transcript NM_000283.4 (MANE Select); coding-DNA position 2227, C replaced by A.
Protein change: p.Gln743Lys; replaces glutamine 743 with lysine.
Molecular consequence: missense variant.
Genome position (GRCh38, 1-based): chr4:665,288, C>A. VCF-style: chr4-665288-C-A. GRCh37 (hg19) VCF-style: chr4-659077-C-A.
Other names: c.2227C>A, p.Gln743Lys (NM_001145291.2); c.1072C>A, p.Gln358Lys (NM_001350155.3); c.1390C>A, p.Gln464Lys (NM_001379246.1, NM_001379247.1, NM_001145292.2 and 1 more transcripts); short protein forms Q743K, Q358K, Q464K.
Identifiers: ClinVar variation 1463169 (VCV001463169.8), dbSNP rs1171957489, ClinGen allele CA355920022.
Genomic context (GRCh38, chr4:665,288, plus strand): 5'-CAGACAGCTGCCTTCCTGTGCCTCCAGGTCGCACTTCTCGTGGCTGCTGAGTTCTGGGAG[C>A]AAGGTGACTTGGAAAGGACAGTCTTGGATCAGCAGCCCATTGTGAGTGCTGCTTCTGGAA-3'
Protein context (NP_000274.3, residues 733-753): ALLVAAEFWE[Gln743Lys]GDLERTVLDQ